The following is an entry in ClinVar:

NM_001165963.4(SCN1A):c.882G>C (p.Lys294Asn)

Gene: SCN1A (sodium voltage-gated channel alpha subunit 1; minus strand). Cytogenetic location: 2q24.3.
Variant type: single nucleotide variant.
Coding change: c.882G>C on transcript NM_001165963.4 (MANE Select); coding-DNA position 882, G replaced by C.
Protein change: p.Lys294Asn; replaces lysine 294 with asparagine.
Molecular consequence: missense variant. On other transcripts: 5 prime UTR variant (1), non-coding transcript variant (1).
Genome position (GRCh38, 1-based): chr2:166,051,801, C>G on the plus strand (G>C on the coding strand, the complement: SCN1A is on the minus strand). VCF-style: chr2-166051801-C-G. GRCh37 (hg19) VCF-style: chr2-166908311-C-G.
Other names: c.882G>C, p.Lys294Asn (NM_001165964.3, NM_001202435.3, NM_001353948.2 and 10 more transcripts); c.-1544G>C (NM_001353961.2); short protein forms K294N.
Identifiers: ClinVar variation 4685320 (VCV004685320.1).

ClinVar aggregate classification (germline): Uncertain significance (1 of 4 stars; one submission).

Submission:

GeneDx
Classification: Uncertain significance. Last evaluated: 2025-07-10. Review status: criteria provided, single submitter. Criteria: GeneDx Variant Classification Process June 2021. Collection method: clinical testing. Allele origin: germline. Affected: yes.
Comment: Not observed at significant frequency in large population cohorts (gnomAD); In silico analysis suggests that this missense variant does not alter protein structure/function; Has not been previously published as pathogenic or benign to our knowledge; This substitution is predicted to be within the extracellular loop between the S5 and S6 transmembrane segments of the first homologous domain